The following is an entry in ClinVar:

NM_005051.3(QARS1):c.131T>C (p.Leu44Pro)

Gene: QARS1 (glutaminyl-tRNA synthetase 1; minus strand). Cytogenetic location: 3p21.31.
Variant type: single nucleotide variant.
Coding change: c.131T>C on transcript NM_005051.3 (MANE Select); coding-DNA position 131, T replaced by C.
Protein change: p.Leu44Pro; replaces leucine 44 with proline.
Molecular consequence: missense variant. On other transcripts: non-coding transcript variant (1).
Genome position (GRCh38, 1-based): chr3:49,104,458, A>G on the plus strand (T>C on the coding strand, the complement: QARS1 is on the minus strand). VCF-style: chr3-49104458-A-G. GRCh37 (hg19) VCF-style: chr3-49141891-A-G.
Other names: c.131T>C, p.Leu44Pro (NM_001272073.2); short protein forms L44P.
Identifiers: ClinVar variation 576401 (VCV000576401.1), dbSNP rs1559970954, ClinGen allele CA352723183.

ClinVar aggregate classification (germline): Uncertain significance (1 of 4 stars; one submission).

Conditions:
Diffuse cerebral and cerebellar atrophy - intractable seizures - progressive microcephaly syndrome. Also called: Microcephaly, progressive, with seizures and cerebral and cerebellar atrophy. Identifiers: Orphanet 404437, MedGen C4014239, MONDO:0014335, OMIM 615760.

Allele frequency attached by ClinVar (database versions not stated): gnomAD exomes below 0.00001.
gnomAD v4.1: 1 of 1,614,128 alleles (0.000062%); highest among the groups gnomAD compares: African/African-American, 0.0013%; no homozygotes.

Submission:

Labcorp Genetics (formerly Invitae), Labcorp
Classification: Uncertain significance for Diffuse cerebral and cerebellar atrophy - intractable seizures - progressive microcephaly syndrome. Last evaluated: 2018-02-10. Review status: criteria provided, single submitter. Criteria: Invitae Variant Classification Sherloc (09022015). Collection method: clinical testing. Allele origin: germline.
Comment: This sequence change replaces leucine with proline at codon 44 of the QARS protein (p.Leu44Pro). The leucine residue is moderately conserved and there is a moderate physicochemical difference between leucine and proline. This variant is not present in population databases (ExAC no frequency). This variant has not been reported in the literature in individuals with QARS-related disease. Algorithms developed to predict the effect of missense changes on protein structure and function (SIFT, PolyPhen-2, Align-GVGD) all suggest that this variant is likely to be tolerated, but these predictions have not been confirmed by published functional studies and their clinical significance is uncertain. In summary, the available evidence is currently insufficient to determine the role of this variant in disease. Therefore, it has been classified as a Variant of Uncertain Significance.